The following is an entry in ClinVar:

ClinVar aggregate classification (germline): Conflicting classifications of pathogenicity. Review status: criteria provided, conflicting classifications (1 of 4 stars). 13 submissions from 13 submitters: Uncertain significance (2); Benign (3); Likely benign (6). 2 of the submissions do not count toward it. Last evaluated 2026-07-01.

Conditions:
Hypokalemic periodic paralysis, type 1. Also called: Hypokalemic Periodic Paralysis Type 1 (AD); HypoPP. Identifiers: Orphanet 681, MedGen C3714580, MONDO:0042979, OMIM 170400.
Malignant hyperthermia, susceptibility to, 5 (MHS5). Also called: CACNA1S-Related Malignant Hyperthermia Susceptibility. Identifiers: Orphanet 423, MedGen C1866077, MONDO:0011163, OMIM 601887.
CACNA1S-related disorder. Also called: CACNA1S-related condition.
Inborn genetic diseases. Identifiers: MedGen C0950123, MeSH D030342.
Malignant hyperthermia, susceptibility to, 1 (MHS1). Also called: Malignant hyperthermia suceptibility 1; Anesthesia related hyperthermia; Malignant hyperpyrexia; Fulminating hyperpyrexia; Pharmacogenic myopathy; RYR1-Related Malignant Hyperthermia Susceptibility. Identifiers: Orphanet 423, MedGen C2930980, MONDO:0007783, OMIM 145600.

Allele frequency attached by ClinVar (database versions not stated): 1000 Genomes Project 30x 0.00078; 1000 Genomes Project 0.00080; TOPMed 0.00317; gnomAD 0.00338 and 0.00349; ESP Exome Variant Server 0.00369.
gnomAD v4.1: 7,806 of 1,614,210 alleles (0.48%); highest among the groups gnomAD compares: Non-Finnish European, 0.59%; 34 homozygotes.

Submissions (13):

CeGaT Center for Human Genetics Tuebingen
Classification: Likely benign. Last evaluated: 2026-07-01. Review status: criteria provided, single submitter. Criteria: CeGaT Center For Human Genetics Tuebingen Variant Classification Criteria Version 2. Collection method: clinical testing. Allele origin: germline. Affected: yes. Observed: 31 variant alleles.
Comment: CACNA1S: BS2

Labcorp Genetics (formerly Invitae), Labcorp
Classification: Likely benign for Hypokalemic periodic paralysis, type 1; Malignant hyperthermia, susceptibility to, 5. Last evaluated: 2026-02-03. Review status: criteria provided, single submitter. Criteria: Invitae Variant Classification Sherloc (09022015). Collection method: clinical testing. Allele origin: germline.

Women's Health and Genetics/Laboratory Corporation of America, LabCorp
Classification: Likely benign. Last evaluated: 2025-11-05. Review status: criteria provided, single submitter. Criteria: LabCorp Variant Classification Summary - May 2015. Collection method: clinical testing. Allele origin: germline.
Comment: Variant summary: CACNA1S c.4060A>T (p.Thr1354Ser) results in a conservative amino acid change in the encoded protein sequence. Algorithms developed to predict the effect of missense changes on protein structure and function are either unavailable or do not agree on the potential impact of this missense change. The variant allele was found at a frequency of 0.0026 in 251760 control chromosomes in the gnomAD database, including 1 homozygotes. The observed variant frequency exceeds the estimated maximal expected allele frequency for disease-causing variants in CACNA1S. c.4060A>T has been observed in individual(s) affected with Malignant Hyperthermia Susceptibility and cyclic vomiting syndrome without strong evidence for causality (Pirone_2010, Bar_2023). These report(s) do not provide unequivocal conclusions about association of the variant with Malignant Hyperthermia Susceptibility. One publication reports experimental evidence evaluating an impact on protein function, however, does not allow convincing conclusions about the variant effect (Pirone_2010). The following publications have been ascertained in the context of this evaluation (PMID: 37234784, 24195946, 24784157, 20861472, 27147545). ClinVar contains an entry for this variant (Variation ID: 161208). Based on the evidence outlined above, the variant was classified as likely benign.

Mayo Clinic Laboratories, Mayo Clinic
Classification: Benign. Last evaluated: 2025-10-21. Review status: criteria provided, single submitter. Criteria: ACMG Guidelines, 2015. Collection method: clinical testing. Allele origin: germline. Observed: 3 variant alleles.
Comment: BS1, BS2, BP5

Ambry Genetics
Classification: Benign for Inborn genetic diseases. Last evaluated: 2024-12-21. Review status: criteria provided, single submitter. Criteria: Ambry Variant Classification Scheme 2023. Collection method: clinical testing. Allele origin: germline.

Blueprint Genetics
Classification: Likely benign. Last evaluated: 2024-11-21. Review status: criteria provided, single submitter. Criteria: ACMG Guidelines, 2015. Collection method: clinical testing. Allele origin: germline.

Color Diagnostics, LLC DBA Color Health
Classification: Likely benign for Malignant hyperthermia, susceptibility to, 5. Last evaluated: 2022-09-20. Review status: criteria provided, single submitter. Criteria: ACMG Guidelines, 2015. Collection method: clinical testing. Allele origin: germline.

GeneDx
Classification: Likely benign. Last evaluated: 2021-09-16. Review status: criteria provided, single submitter. Criteria: GeneDx Variant Classification Process June 2021. Collection method: clinical testing. Allele origin: germline. Affected: yes.
Comment: This variant is associated with the following publications: (PMID: 32222817, 29193480, 29212769, 27153395, 27181684, 28011884, 20861472, 24784157, 24055113, 25735680, 25637381, 24195946, 26332594, 27147545)

Molecular Genetics, Royal Melbourne Hospital
Classification: Benign for Malignant hyperthermia, susceptibility to, 5. Last evaluated: 2020-10-30. Review status: criteria provided, single submitter. Criteria: ACMG Guidelines, 2015. Collection method: clinical testing. Allele origin: germline. Affected: yes.
Comment: This sequence change is predicted to replace threonine with serine at codon 1354 of the CACNA1S protein (p.(Thr1354Ser)). The threonine residue is conserved to fish species, which also have a serine residue at codon 1354 (100 vertebrates, UCSC). The variant is located in the extracellular portion of an ion transporter domain. There is a small physicochemical difference between threonine and serine. The variant is present in a large population cohort at a frequency of 0.52% in the European (non-Finnish) population (rs1145910245, gnomAD v3.0). This variant has been reported in a multigenerational family of individuals who were malignant hyperthermia susceptible (PMID: 20861472) and in two unrelated individuals in an Australian cohort, one of which also had a variant in RYR1 (PMID: 25735680). Patch-clamp analyses demonstrate accelerated inward Ca2+ current and increased sensitisation of RYR1 under caffeine exposure in a transfection model. Multiple lines of computational evidence have conflicting predictions for the missense substitution (4/6 algorithms predicting benign/neutral effect, 2/6 algorithms predicting deleterious effect). Based on the classification guidelines RMH Modified ACMG Guidelines v1.3.0, this variant is classified as BENIGN. The following criteria are met: BA1, PP1_Moderate.

Athena Diagnostics
Classification: Uncertain significance. Last evaluated: 2019-01-07. Review status: criteria provided, single submitter. Criteria: Athena Diagnostics Criteria. Collection method: clinical testing. Allele origin: germline.

Laboratory for Molecular Medicine, Mass General Brigham Personalized Medicine
Classification: Uncertain significance. Last evaluated: 2016-04-25. Review status: criteria provided, single submitter. Criteria: LMM Criteria. Collection method: clinical testing. Allele origin: germline.
Comment: Variant identified in a genome or exome case(s) and assessed due to predicted null impact of the variant or pathogenic assertions in the literature or databases. Disclaimer: This variant has not undergone full assessment. The following are preliminary notes: ExAC: 0.4% (252/66740) Europeans. Classified as VUS in 3 papers (7 total papers in HGMD)

PreventionGenetics, part of Exact Sciences
Classification: Likely benign for CACNA1S-related condition. Last evaluated: 2023-02-16. Review status: no assertion criteria provided. Collection method: clinical testing. Allele origin: germline. Not counted in ClinVar's aggregate classification.
Comment: This variant is classified as likely benign based on ACMG/AMP sequence variant interpretation guidelines (Richards et al. 2015 PMID: 25741868, with internal and published modifications).

CSER _CC_NCGL, University of Washington
Classification: Uncertain significance for Malignant hyperthermia. Last evaluated: 2014-06-01. Review status: no assertion criteria provided. Collection method: research. Allele origin: germline. Inheritance: Autosomal dominant inheritance. Study: ESP 6500 variant annotation. Not counted in ClinVar's aggregate classification.
Comment: Variants classified for the Actionable exomic incidental findings in 6503 participants: challenges of variant classification manuscript

Literature cited by the submitters: PubMed 24784157 (cited by Women's Health and Genetics/Laboratory Corporation of America, LabCorp and Athena Diagnostics); PubMed 20861472 (cited by 4 submitters); PubMed 24195946 (cited by Women's Health and Genetics/Laboratory Corporation of America, LabCorp and Athena Diagnostics); PubMed 27147545 (cited by Women's Health and Genetics/Laboratory Corporation of America, LabCorp and Athena Diagnostics); PubMed 37234784 (cited by Women's Health and Genetics/Laboratory Corporation of America, LabCorp and Ambry Genetics); PubMed 11573677 (cited by Ambry Genetics); PubMed 25735680 (cited by 3 submitters); PubMed 26332594 (cited by Athena Diagnostics); PubMed 25637381 (cited by Athena Diagnostics); PubMed 24055113 (cited by Athena Diagnostics); PubMed 29212769 (cited by Athena Diagnostics); PubMed 29193480 (cited by Athena Diagnostics); PubMed 28011884 (cited by Athena Diagnostics).

NM_000069.3(CACNA1S):c.4060A>T (p.Thr1354Ser)

Gene: CACNA1S (calcium voltage-gated channel subunit alpha1 S; minus strand). Cytogenetic location: 1q32.1.
Variant type: single nucleotide variant.
Coding change: c.4060A>T on transcript NM_000069.3 (MANE Select); coding-DNA position 4060, A replaced by T.
Protein change: p.Thr1354Ser; replaces threonine 1354 with serine.
Molecular consequence: missense variant.
Genome position (GRCh38, 1-based): chr1:201,051,037, T>A on the plus strand (A>T on the coding strand, the complement: CACNA1S is on the minus strand). VCF-style: chr1-201051037-T-A. GRCh37 (hg19) VCF-style: chr1-201020165-T-A.
Other names: short protein forms T1354S.
Identifiers: ClinVar variation 161208 (VCV000161208.69), dbSNP rs145910245, ClinGen allele CA004058.